The following is an entry in ClinVar:

ClinVar aggregate classification (germline): Uncertain significance. Review status: criteria provided, multiple submitters, no conflicts (2 of 4 stars). 2 submissions from 2 submitters: Uncertain significance (2). Last evaluated 2025-12-30.

Conditions:
Hereditary cancer-predisposing syndrome. Also called: Hereditary neoplastic syndrome; Neoplastic Syndromes, Hereditary; Tumor predisposition; Hereditary Cancer Syndrome. Identifiers: Orphanet 140162, MedGen C0027672, MeSH D009386, MONDO:0015356.

Submissions (2):

Labcorp Genetics (formerly Invitae), Labcorp
Classification: Uncertain significance. Last evaluated: 2025-12-30. Review status: criteria provided, single submitter. Criteria: Invitae Variant Classification Sherloc (09022015). Collection method: clinical testing. Allele origin: germline.
Comment: This sequence change replaces glycine, which is neutral and non-polar, with glutamic acid, which is acidic and polar, at codon 541 of the POLE protein (p.Gly541Glu). This variant is not present in population databases (gnomAD no frequency). This variant has not been reported in the literature in individuals affected with POLE-related conditions. ClinVar contains an entry for this variant (Variation ID: 942125). Invitae Evidence Modeling of protein sequence and biophysical properties (such as structural, functional, and spatial information, amino acid conservation, physicochemical variation, residue mobility, and thermodynamic stability) indicates that this missense variant is expected to disrupt POLE protein function with a positive predictive value of 80%. In summary, the available evidence is currently insufficient to determine the role of this variant in disease. Therefore, it has been classified as a Variant of Uncertain Significance.

Ambry Genetics
Classification: Uncertain significance for Hereditary cancer-predisposing syndrome. Last evaluated: 2025-05-22. Review status: criteria provided, single submitter. Criteria: Ambry Variant Classification Scheme 2023. Collection method: clinical testing. Allele origin: germline.
Comment: The p.G541E variant (also known as c.1622G>A), located in coding exon 15 of the POLE gene, results from a G to A substitution at nucleotide position 1622. The glycine at codon 541 is replaced by glutamic acid, an amino acid with similar properties. This amino acid position is highly conserved in available vertebrate species. In addition, this alteration is predicted to be deleterious by in silico analysis. Based on the available evidence, the clinical significance of this variant remains unclear.

NM_006231.4(POLE):c.1622G>A (p.Gly541Glu)

Gene: POLE (DNA polymerase epsilon, catalytic subunit; minus strand). Cytogenetic location: 12q24.33.
Variant type: single nucleotide variant.
Coding change: c.1622G>A on transcript NM_006231.4 (MANE Select); coding-DNA position 1622, G replaced by A.
Protein change: p.Gly541Glu; replaces glycine 541 with glutamic acid.
Molecular consequence: missense variant.
Genome position (GRCh38, 1-based): chr12:132,672,691, C>T on the plus strand (G>A on the coding strand, the complement: POLE is on the minus strand). VCF-style: chr12-132672691-C-T. GRCh37 (hg19) VCF-style: chr12-133249277-C-T.
Other names: c.1622G>A (NM_006231.2); short protein forms G541E.
Identifiers: ClinVar variation 942125 (VCV000942125.10), dbSNP rs2042957625, ClinGen allele CA387356725.